The following is an entry in ClinVar:

ClinVar aggregate classification (germline): Uncertain significance (1 of 4 stars; one submission).

Allele frequency attached by ClinVar (database versions not stated): gnomAD exomes below 0.00001.

Submission:

GeneDx
Classification: Uncertain significance. Last evaluated: 2024-11-13. Review status: criteria provided, single submitter. Criteria: GeneDx Variant Classification Process June 2021. Collection method: clinical testing. Allele origin: germline. Affected: yes.
Comment: Not observed in large population cohorts (gnomAD); Frameshift variant predicted to result in protein truncation or nonsense mediated decay in a gene for which loss-of-function is not a known mechanism of disease; Has not been previously published as pathogenic or benign to our knowledge; Variants in candidate genes are classified as variants of uncertain significance in accordance with ACMG guidelines (PMID: 25741868)

NM_015158.5(KANK1):c.876dup (p.Val293fs)

Gene: KANK1 (KN motif and ankyrin repeat domains 1; plus strand). Cytogenetic location: 9p24.3.
Variant type: Duplication.
Coding change: c.876dup on transcript NM_015158.5 (MANE Select); coding-DNA position 876, one base duplicated (T; older notation c.876dupT).
Protein change: p.Val293fs; shifts the reading frame from valine 293.
Molecular consequence: frameshift variant. On other transcripts: non-coding transcript variant (1).
Genome position (GRCh38, 1-based): chr9:711,642, T duplicated. VCF-style (leftmost placement, unchanged base first): chr9-711641-C-CT. GRCh37 (hg19) VCF-style: chr9-711641-C-CT.
Other names: c.876dupT (NM_015158.3); c.876dup, p.Val293fs (NM_001256876.3, NM_001256877.3, NM_001354331.2 and 2 more transcripts); c.402dup, p.Val135fs (NM_001354333.2, NM_001354335.2, NM_001354336.2 and 9 more transcripts); short protein forms V293fs, V135fs.
Identifiers: ClinVar variation 523998 (VCV000523998.4), dbSNP rs1554697550, ClinGen allele CA658797187.
Genomic context (GRCh38, chr9:711,641, plus strand): 5'-AACGCCTGAAGGAGCTGGAGGAGCAGGTGCGAACCATCCCTGTGCTCCAGGTAAAGATCT[C>CT]TGTCTTGCAAGAAGAGAAAAGGCAGTTGGTCTCACAGCTGAAAAACCAAAGGGCTGCATC-3'